The following is an entry in ClinVar:

ClinVar aggregate classification (germline): Uncertain significance. Review status: criteria provided, multiple submitters, no conflicts (2 of 4 stars). 2 submissions from 2 submitters: Uncertain significance (2). Last evaluated 2025-02-04.

Conditions:
Chuvash polycythemia. Also called: POLYCYTHEMIA, VHL-DEPENDENT. Identifiers: Orphanet 238557, MedGen C1837915, MONDO:0009892, OMIM 263400.
Von Hippel-Lindau syndrome (VHLS). Also called: VHL syndrome; von Hippel–Lindau syndrome; Von Hippel-Lindau. Identifiers: Orphanet 892, MedGen C0019562, MONDO:0008667, OMIM 193300. Disease mechanism: loss of function.
Hereditary cancer-predisposing syndrome. Also called: Hereditary Cancer Syndrome; Hereditary neoplastic syndrome; Neoplastic Syndromes, Hereditary; Tumor predisposition. Identifiers: Orphanet 140162, MedGen C0027672, MeSH D009386, MONDO:0015356.

Submissions (2):

Labcorp Genetics (formerly Invitae), Labcorp
Classification: Uncertain significance for Von Hippel-Lindau syndrome; Chuvash polycythemia. Last evaluated: 2025-02-04. Review status: criteria provided, single submitter. Criteria: Invitae Variant Classification Sherloc (09022015). Collection method: clinical testing. Allele origin: germline.
Comment: This sequence change replaces glutamic acid, which is acidic and polar, with aspartic acid, which is acidic and polar, at codon 37 of the VHL protein (p.Glu37Asp). This variant is not present in population databases (gnomAD no frequency). This variant has not been reported in the literature in individuals affected with VHL-related conditions. ClinVar contains an entry for this variant (Variation ID: 3468027). Invitae Evidence Modeling of protein sequence and biophysical properties (such as structural, functional, and spatial information, amino acid conservation, physicochemical variation, residue mobility, and thermodynamic stability) indicates that this missense variant is not expected to disrupt VHL protein function with a negative predictive value of 95%. In summary, the available evidence is currently insufficient to determine the role of this variant in disease. Therefore, it has been classified as a Variant of Uncertain Significance.

Ambry Genetics
Classification: Uncertain significance for Hereditary cancer-predisposing syndrome. Last evaluated: 2024-08-30. Review status: criteria provided, single submitter. Criteria: Ambry Variant Classification Scheme 2023. Collection method: clinical testing. Allele origin: germline.
Comment: The p.E37D variant (also known as c.111G>T), located in coding exon 1 of the VHL gene, results from a G to T substitution at nucleotide position 111. The glutamic acid at codon 37 is replaced by aspartic acid, an amino acid with highly similar properties. This amino acid position is well conserved in available vertebrate species. In addition, this alteration is predicted to be tolerated by in silico analysis. Based on the available evidence, the clinical significance of this variant remains unclear.

NM_000551.4(VHL):c.111G>T (p.Glu37Asp)

Gene: VHL (von Hippel-Lindau tumor suppressor; plus strand). Cytogenetic location: 3p25.3.
Variant type: single nucleotide variant.
Coding change: c.111G>T on transcript NM_000551.4 (MANE Select); coding-DNA position 111, G replaced by T.
Protein change: p.Glu37Asp; replaces glutamic acid 37 with aspartic acid.
Molecular consequence: missense variant. On other transcripts: non-coding transcript variant (1).
Genome position (GRCh38, 1-based): chr3:10,141,958, G>T. VCF-style: chr3-10141958-G-T. GRCh37 (hg19) VCF-style: chr3-10183642-G-T.
Other names: c.111G>T, p.Glu37Asp (NM_001354723.2, NM_198156.3); short protein forms E37D.
Identifiers: ClinVar variation 3468027 (VCV003468027.2).
Genomic context (GRCh38, chr3:10,141,958, plus strand): 5'-GGCAGGCGTCGAAGAGTACGGCCCTGAAGAAGACGGCGGGGAGGAGTCGGGCGCCGAGGA[G>T]TCCGGCCCGGAAGAGTCCGGCCCGGAGGAACTGGGCGCCGAGGAGGAGATGGAGGCCGGG-3'
Protein context (NP_000542.1, residues 27-47): EDGGEESGAE[Glu37Asp]SGPEESGPEE